The following is an entry in ClinVar:

ClinVar aggregate classification (germline): Uncertain significance. Review status: criteria provided, multiple submitters, no conflicts (2 of 4 stars). 3 submissions from 3 submitters: Uncertain significance (2). 1 of the submissions does not count toward it. Last evaluated 2025-01-30.

Conditions:
Heterotopia, periventricular, X-linked dominant (PVNH1). Also called: PERIVENTRICULAR NODULAR HETEROTOPIA 4; HETEROTOPIA, PERIVENTRICULAR, 1; PERIVENTRICULAR NODULAR HETEROTOPIA 1; X-linked periventricular heterotopia. Identifiers: Orphanet 2149, Orphanet 82004, MedGen C1848213, MONDO:0010233, OMIM 300049.
Oto-palato-digital syndrome, type II (OPD2). Also called: FACIOPALATOOSSEOUS SYNDROME; OPD II SYNDROME; Otopalatodigital Syndrome, Type II; Otopalatodigital Syndrome Type 2 (FLNA-OPD2). Identifiers: Orphanet 669, Orphanet 90652, MedGen C1844696, MONDO:0010571, OMIM 304120.
Melnick-Needles syndrome (MNS). Also called: MELNICK-NEEDLES OSTEODYSPLASTY; OSTEODYSPLASTY OF MELNICK AND NEEDLES; Melnick-Needles Syndrome (FLNA-MNS). Identifiers: Orphanet 2484, MedGen C0025237, MONDO:0010650, OMIM 309350.
Frontometaphyseal dysplasia (FMD1). Identifiers: Orphanet 1826, MedGen C0265293, MONDO:0015942.

Submissions (3):

Department of Human Genetics, Hannover Medical School
Classification: Uncertain significance for Heterotopia, periventricular, X-linked dominant. Last evaluated: 2025-01-30. Review status: criteria provided, single submitter. Criteria: ACMG Guidelines, 2015. Collection method: clinical testing. Allele origin: germline. Affected: yes.
Comment: ACMG: PM2_Supporting, PP3

Labcorp Genetics (formerly Invitae), Labcorp
Classification: Uncertain significance for Oto-palato-digital syndrome, type II; Heterotopia, periventricular, X-linked dominant; Frontometaphyseal dysplasia; Melnick-Needles syndrome. Last evaluated: 2023-01-23. Review status: criteria provided, single submitter. Criteria: Invitae Variant Classification Sherloc (09022015). Collection method: clinical testing. Allele origin: germline.
Comment: In summary, the available evidence is currently insufficient to determine the role of this variant in disease. Therefore, it has been classified as a Variant of Uncertain Significance. Advanced modeling of protein sequence and biophysical properties (such as structural, functional, and spatial information, amino acid conservation, physicochemical variation, residue mobility, and thermodynamic stability) has been performed at Invitae for this missense variant, however the output from this modeling did not meet the statistical confidence thresholds required to predict the impact of this variant on FLNA protein function. ClinVar contains an entry for this variant (Variation ID: 1504468). This variant has not been reported in the literature in individuals affected with FLNA-related conditions. This variant is not present in population databases (gnomAD no frequency). This sequence change replaces histidine, which is basic and polar, with arginine, which is basic and polar, at codon 56 of the FLNA protein (p.His56Arg).

Zotz-Klimas Genetics Lab, MVZ Zotz Klimas
Classification: Uncertain significance for Heterotopia, periventricular, X-linked dominant. Last evaluated: 2023-11-02. Review status: no assertion criteria provided. Collection method: clinical testing. Allele origin: germline. Affected: yes. Not counted in ClinVar's aggregate classification.

NM_001110556.2(FLNA):c.167A>G (p.His56Arg)

Gene: FLNA (filamin A; minus strand). Cytogenetic location: Xq28.
Variant type: single nucleotide variant.
Coding change: c.167A>G on transcript NM_001110556.2 (MANE Select); coding-DNA position 167, A replaced by G.
Protein change: p.His56Arg; replaces histidine 56 with arginine.
Molecular consequence: missense variant.
Genome position (GRCh38, 1-based): chrX:154,371,079, T>C on the plus strand (A>G on the coding strand, the complement: FLNA is on the minus strand). VCF-style: chrX-154371079-T-C. GRCh37 (hg19) VCF-style: chrX-153599447-T-C.
Other names: c.167A>G, p.His56Arg (NM_001456.4); short protein forms H56R.
Identifiers: ClinVar variation 1504468 (VCV001504468.9), dbSNP rs2148121997, ClinGen allele CA415255212.